The following is an entry in ClinVar:

ClinVar aggregate classification (germline): Uncertain significance (1 of 4 stars; one submission).

Conditions:
Bloom syndrome (BLM). Also called: Bloom-Torre-Machacek syndrome. Identifiers: Orphanet 125, MedGen C0005859, MONDO:0008876, OMIM 210900.

Submission:

Labcorp Genetics (formerly Invitae), Labcorp
Classification: Uncertain significance for Bloom syndrome. Last evaluated: 2023-09-21. Review status: criteria provided, single submitter. Criteria: Invitae Variant Classification Sherloc (09022015). Collection method: clinical testing. Allele origin: germline.
Comment: In summary, the available evidence is currently insufficient to determine the role of this variant in disease. Therefore, it has been classified as a Variant of Uncertain Significance. Algorithms developed to predict the effect of sequence changes on RNA splicing suggest that this variant may disrupt the consensus splice site. Advanced modeling of protein sequence and biophysical properties (such as structural, functional, and spatial information, amino acid conservation, physicochemical variation, residue mobility, and thermodynamic stability) performed at Invitae indicates that this missense variant is not expected to disrupt BLM protein function. This variant has not been reported in the literature in individuals affected with BLM-related conditions. This variant is not present in population databases (gnomAD no frequency). This sequence change replaces lysine, which is basic and polar, with glutamic acid, which is acidic and polar, at codon 409 of the BLM protein (p.Lys409Glu).

NM_000057.4(BLM):c.1225A>G (p.Lys409Glu)

Gene: BLM (BLM RecQ like helicase; plus strand). Cytogenetic location: 15q26.1.
Variant type: single nucleotide variant.
Coding change: c.1225A>G on transcript NM_000057.4 (MANE Select); coding-DNA position 1225, A replaced by G.
Protein change: p.Lys409Glu; replaces lysine 409 with glutamic acid.
Molecular consequence: missense variant.
Genome position (GRCh38, 1-based): chr15:90,760,598, A>G. VCF-style: chr15-90760598-A-G. GRCh37 (hg19) VCF-style: chr15-91303828-A-G.
Other names: c.1225A>G, p.Lys409Glu (NM_001287246.2, NM_001287247.2); c.100A>G, p.Lys34Glu (NM_001287248.2); short protein forms K409E, K34E.
Identifiers: ClinVar variation 2762365 (VCV002762365.3), dbSNP rs2505423878, ClinGen allele CA393842598.
Genomic context (GRCh38, chr15:90,760,598, plus strand): 5'-GGCCTACCAGAGTAAACTACTTATATTTAATACGTTGTTCTCTTTTCTCTCTTCAGAAGG[A>G]AACTTCTAACGGAAGTAGATTTTAATAAAAGTGATGCCAGTCTTCTTGGCTCATTGTGGA-3'
Protein context (NP_000048.1, residues 399-419): ELLQQRNIRR[Lys409Glu]LLTEVDFNKS